The following is an entry in ClinVar:

NM_001042492.3(NF1):c.1527+1314T>A

Gene: NF1 (neurofibromin 1; plus strand). Cytogenetic location: 17q11.2.
Variant type: single nucleotide variant.
Coding change: c.1527+1314T>A on transcript NM_001042492.3 (MANE Select); 1314 bases into the intron after coding-DNA position 1527, T replaced by A.
Molecular consequence: intron variant.
Genome position (GRCh38, 1-based): chr17:31,215,899, T>A. VCF-style: chr17-31215899-T-A. GRCh37 (hg19) VCF-style: chr17-29542917-T-A.
Other names: c.1527+1314T>A (NM_000267.4, NM_001128147.3).
Identifiers: ClinVar variation 561907 (VCV000561907.1), dbSNP rs57254992, ClinGen allele CA289357432.

ClinVar aggregate classification (germline): Benign (1 of 4 stars; one submission).

Allele frequency attached by ClinVar (database versions not stated): gnomAD 0.01529; TOPMed 0.01699; 1000 Genomes Project 0.01737; 1000 Genomes Project 30x 0.01765.
gnomAD v4.1: 2,486 of 152,298 alleles (1.6%); highest among the groups gnomAD compares: African/African-American, 5.6%; 85 homozygotes.

Submission:

GeneDx
Classification: Benign. Last evaluated: 2018-06-14. Review status: criteria provided, single submitter. Criteria: GeneDx Variant Classification (06012015). Collection method: clinical testing. Allele origin: germline. Affected: yes.
Comment: This variant is considered likely benign or benign based on one or more of the following criteria: it is a conservative change, it occurs at a poorly conserved position in the protein, it is predicted to be benign by multiple in silico algorithms, and/or has population frequency not consistent with disease.